The following is an entry in ClinVar:

NM_145290.4(ADGRA3):c.89GCG[7] (p.Gly35dup)

Gene: ADGRA3 (adhesion G protein-coupled receptor A3; minus strand). Cytogenetic location: 4p15.2.
Variant type: Microsatellite.
Coding change: c.89GCG[7] on transcript NM_145290.4 (MANE Select); seven copies in a row of the 3-base unit GCG starting at c.89; the reference has six copies in a row; one copy, 3 bases duplicated.
Protein change: p.Gly35dup; duplicates glycine 35.
Molecular consequence: inframe insertion.
Genome position (GRCh38, 1-based): chr4:22,515,679-22,515,681, CGC duplicated on the plus strand (GCG on the coding strand, the reverse complement: ADGRA3 is on the minus strand); duplicating any 3 consecutive bases within chr4:22,515,679-22,515,697 gives the same sequence; the position shown is the placement nearest the transcript's 3' end. VCF-style (leftmost placement, unchanged base first): chr4-22515678-G-GCGC. GRCh37 (hg19) VCF-style: chr4-22517301-G-GCGC.
Identifiers: ClinVar variation 1514545 (VCV001514545.6), dbSNP rs769005255, ClinGen allele CA94061037.

ClinVar aggregate classification (germline): Uncertain significance (1 of 4 stars; one submission).

Submission:

Labcorp Genetics (formerly Invitae), Labcorp
Classification: Uncertain significance. Last evaluated: 2026-01-25. Review status: criteria provided, single submitter. Criteria: Invitae Variant Classification Sherloc (09022015). Collection method: clinical testing. Allele origin: germline.
Comment: This variant, c.104_106dup, results in the insertion of 1 amino acid(s) of the ADGRA3 protein (p.Gly35dup), but otherwise preserves the integrity of the reading frame. This variant is present in population databases (no rsID available, gnomAD 0.1%), and has an allele count higher than expected for a pathogenic variant. This variant has not been reported in the literature in individuals affected with ADGRA3-related conditions. Experimental studies and prediction algorithms are not available or were not evaluated, and the functional significance of this variant is currently unknown. In summary, the available evidence is currently insufficient to determine the role of this variant in disease. Therefore, it has been classified as a Variant of Uncertain Significance.